The following is an entry in ClinVar:

NM_003998.4(NFKB1):c.2585A>G (p.Asn862Ser)

Gene: NFKB1 (nuclear factor kappa B subunit 1; plus strand). Cytogenetic location: 4q24.
Variant type: single nucleotide variant.
Coding change: c.2585A>G on transcript NM_003998.4 (MANE Select); coding-DNA position 2585, A replaced by G.
Protein change: p.Asn862Ser; replaces asparagine 862 with serine.
Molecular consequence: missense variant.
Genome position (GRCh38, 1-based): chr4:102,612,599, A>G. VCF-style: chr4-102612599-A-G. GRCh37 (hg19) VCF-style: chr4-103533756-A-G.
Other names: c.2582A>G, p.Asn861Ser (NM_001165412.2, NM_001319226.2, NM_001382627.1); c.2585A>G, p.Asn862Ser (NM_001382625.1, NM_001382626.1); c.2543A>G, p.Asn848Ser (NM_001382628.1); short protein forms N861S, N862S, N848S.
Identifiers: ClinVar variation 2091241 (VCV002091241.4), dbSNP rs761695940, ClinGen allele CA3026461.

ClinVar aggregate classification (germline): Uncertain significance (1 of 4 stars; one submission).

Allele frequency attached by ClinVar (database versions not stated): ExAC 0.00001; gnomAD exomes below 0.00001; gnomAD 0.00001; TOPMed 0.00001.
gnomAD v4.1: 5 of 1,613,348 alleles (0.00031%); highest among the groups gnomAD compares: Non-Finnish European, 0.00042%; no homozygotes.

Submission:

Labcorp Genetics (formerly Invitae), Labcorp
Classification: Uncertain significance. Last evaluated: 2025-08-17. Review status: criteria provided, single submitter. Criteria: Invitae Variant Classification Sherloc (09022015). Collection method: clinical testing. Allele origin: germline.
Comment: This sequence change replaces asparagine, which is neutral and polar, with serine, which is neutral and polar, at codon 862 of the NFKB1 protein (p.Asn862Ser). This variant is not present in population databases (gnomAD no frequency). This variant has not been reported in the literature in individuals affected with NFKB1-related conditions. ClinVar contains an entry for this variant (Variation ID: 2091241). Invitae Evidence Modeling of protein sequence and biophysical properties (such as structural, functional, and spatial information, amino acid conservation, physicochemical variation, residue mobility, and thermodynamic stability) indicates that this missense variant is not expected to disrupt NFKB1 protein function with a negative predictive value of 80%. In summary, the available evidence is currently insufficient to determine the role of this variant in disease. Therefore, it has been classified as a Variant of Uncertain Significance.